The following is an entry in ClinVar:

NM_015662.3(IFT172):c.2722C>T (p.Arg908Trp)

Genes: IFT172 (intraflagellar transport 172; minus strand), LOC126806174 (CDK7 strongly-dependent group 2 enhancer GRCh37_chr2:27681686-27682885; plus strand). Cytogenetic location: 2p23.3.
Variant type: single nucleotide variant.
Coding change: c.2722C>T on transcript NM_015662.3 (MANE Select); coding-DNA position 2722, C replaced by T.
Protein change: p.Arg908Trp; replaces arginine 908 with tryptophan.
Molecular consequence: missense variant.
Genome position (GRCh38, 1-based): chr2:27,459,443, G>A on the plus strand (C>T on the coding strand, the complement: IFT172 is on the minus strand). VCF-style: chr2-27459443-G-A. GRCh37 (hg19) VCF-style: chr2-27682310-G-A.
Other names: short protein forms R908W.
Identifiers: ClinVar variation 847729 (VCV000847729.12), dbSNP rs745644146, ClinGen allele CA1580207.

ClinVar aggregate classification (germline): Conflicting classifications of pathogenicity. Review status: criteria provided, conflicting classifications (1 of 4 stars). 3 submissions from 3 submitters: Uncertain significance (2); Likely benign (1). Last evaluated 2026-08-26.

Conditions:
IFT172-related disorder. Also called: IFT172-related condition; IFT172-related disorders.
Retinitis pigmentosa 71 (RP71). Identifiers: Orphanet 791, MedGen C4225342, MONDO:0014618, OMIM 616394.
Short-rib thoracic dysplasia 10 with or without polydactyly (SRTD10). Identifiers: Orphanet 474, MedGen C3810175, MONDO:0014284, OMIM 615630.
Bardet-Biedl syndrome 20. Identifiers: MedGen C4310707, MONDO:0023670, OMIM 619471, MONDO:0014926.

Allele frequency attached by ClinVar (database versions not stated): TOPMed 0.00001; gnomAD 0.00002; gnomAD exomes 0.00003 and 0.00009; ExAC 0.00013.
gnomAD v4.1: 41 of 1,614,048 alleles (0.0025%); highest among the groups gnomAD compares: South Asian, 0.024%; no homozygotes.

Submissions (3):

PreventionGenetics, part of Exact Sciences
Classification: Uncertain significance for IFT172-related condition. Last evaluated: 2026-08-26. Review status: criteria provided, single submitter. Criteria: ACMG Guidelines, 2015. Collection method: clinical testing. Allele origin: germline.
Comment: The IFT172 c.2722C>T variant is predicted to result in the amino acid substitution p.Arg908Trp. To our knowledge, this variant has not been reported in the literature. This variant is reported in 0.029% of alleles in individuals of South Asian descent in gnomAD. At this time, the clinical significance of this variant is uncertain due to the absence of conclusive functional and genetic evidence.

Labcorp Genetics (formerly Invitae), Labcorp
Classification: Likely benign for Retinitis pigmentosa 71; Short-rib thoracic dysplasia 10 with or without polydactyly. Last evaluated: 2025-10-20. Review status: criteria provided, single submitter. Criteria: Invitae Variant Classification Sherloc (09022015). Collection method: clinical testing. Allele origin: germline.

Fulgent Genetics
Classification: Uncertain significance for Short-rib thoracic dysplasia 10 with or without polydactyly; Retinitis pigmentosa 71; Bardet-Biedl syndrome 20. Last evaluated: 2021-11-12. Review status: criteria provided, single submitter. Criteria: ACMG Guidelines, 2015. Collection method: clinical testing. Allele origin: unknown.